The following is an entry in ClinVar:

ClinVar aggregate classification (germline): Benign/Likely benign. Review status: criteria provided, multiple submitters, no conflicts (2 of 4 stars). 5 submissions from 5 submitters: Benign (1); Likely benign (3). 1 of the submissions does not count toward it. Last evaluated 2026-01-20.

Conditions:
SPTB-related disorder. Also called: SPTB-Related Disorders; SPTB-related condition.
Inborn genetic diseases. Identifiers: MedGen C0950123, MeSH D030342.

Allele frequency attached by ClinVar (database versions not stated): ExAC 0.00040; gnomAD 0.00112; TOPMed 0.00114; 1000 Genomes Project 0.00140; ESP Exome Variant Server 0.00146; 1000 Genomes Project 30x 0.00156.
gnomAD v4.1: 327 of 1,614,172 alleles (0.02%); highest among the groups gnomAD compares: African/African-American, 0.31%; 1 homozygote.

Submissions (5):

Labcorp Genetics (formerly Invitae), Labcorp
Classification: Benign. Last evaluated: 2026-01-20. Review status: criteria provided, single submitter. Criteria: Invitae Variant Classification Sherloc (09022015). Collection method: clinical testing. Allele origin: germline.

Ambry Genetics
Classification: Likely benign for Inborn genetic diseases. Last evaluated: 2024-07-07. Review status: criteria provided, single submitter. Criteria: Ambry Variant Classification Scheme 2023. Collection method: clinical testing. Allele origin: germline.

ARUP Laboratories, Molecular Genetics and Genomics, ARUP Laboratories
Classification: Likely benign. Last evaluated: 2024-04-25. Review status: criteria provided, single submitter. Criteria: ARUP Molecular Germline Variant Investigation Process 2024. Collection method: clinical testing. Allele origin: germline.

Blueprint Genetics
Classification: Likely benign. Last evaluated: 2023-05-12. Review status: criteria provided, single submitter. Criteria: ACMG Guidelines, 2015. Collection method: clinical testing. Allele origin: germline.

PreventionGenetics, part of Exact Sciences
Classification: Likely benign for SPTB-related condition. Last evaluated: 2023-10-19. Review status: no assertion criteria provided. Collection method: clinical testing. Allele origin: germline. Not counted in ClinVar's aggregate classification.
Comment: This variant is classified as likely benign based on ACMG/AMP sequence variant interpretation guidelines (Richards et al. 2015 PMID: 25741868, with internal and published modifications).

NM_001355436.2(SPTB):c.3334G>A (p.Gly1112Arg)

Gene: SPTB (spectrin beta, erythrocytic; minus strand). Cytogenetic location: 14q23.3.
Variant type: single nucleotide variant.
Coding change: c.3334G>A on transcript NM_001355436.2 (MANE Select); coding-DNA position 3334, G replaced by A.
Protein change: p.Gly1112Arg; replaces glycine 1112 with arginine.
Molecular consequence: missense variant.
Genome position (GRCh38, 1-based): chr14:64,786,631, C>T on the plus strand (G>A on the coding strand, the complement: SPTB is on the minus strand). VCF-style: chr14-64786631-C-T. GRCh37 (hg19) VCF-style: chr14-65253349-C-T.
Other names: NM_000347.5:c.3334G>A; c.3334G>A, p.Gly1112Arg (NM_001024858.4, NM_001355437.2); c.3334G>A (NM_001024858.2); short protein forms G1112R.
Identifiers: ClinVar variation 2045144 (VCV002045144.9), dbSNP rs150796721, ClinGen allele CA7230654.